The following is an entry in ClinVar:

ClinVar aggregate classification (germline): Uncertain significance. Review status: criteria provided, single submitter (1 of 4 stars). 2 submissions from 2 submitters: Uncertain significance (1). 1 of the submissions does not count toward it. Last evaluated 2022-04-08.

Conditions:
Pseudohypoparathyroidism type 1C (PHP1C). Also called: PSEUDOHYPOPARATHYROIDISM, TYPE IC; PHP IC; Pseudohypoparathyroidism Ic (PHP-Ic). Identifiers: Orphanet 79444, MedGen C2932716, MONDO:0012911, OMIM 612462.
Pseudohypoparathyroidism type 1B (PHP1B). Also called: PHP IB; Pseudohypoparathyroidism Type IB; Pseudohypoparathyroidism Ib (PHP-Ib). Identifiers: Orphanet 94089, MedGen C1864100, MONDO:0011301, OMIM 603233.
Pseudohypoparathyroidism type I A (PHP1A). Also called: Pseudohypoparathyroidism Type IA; ALBRIGHT HEREDITARY OSTEODYSTROPHY WITH MULTIPLE HORMONE RESISTANCE; PHP IA; Pseudohypoparathyroidism type 1A; Pseudohypoparathyroidism Ia (PHP-Ia). Identifiers: Orphanet 79443, MedGen C3494506, MONDO:0007078, OMIM 103580.
GNAS-related disorder. Identifiers: MedGen CN380105.

Allele frequency attached by ClinVar (database versions not stated): gnomAD 0.00009; TOPMed 0.00007; ESP Exome Variant Server 0.00008.
gnomAD v4.1: 122 of 1,610,852 alleles (0.0076%); highest among the groups gnomAD compares: Non-Finnish European, 0.0011%; no homozygotes.

Submissions (2):

New York Genome Center
Classification: Uncertain significance for Pseudohypoparathyroidism type I A; Pseudohypoparathyroidism type 1B; Pseudohypoparathyroidism type 1C. Last evaluated: 2022-04-08. Review status: criteria provided, single submitter. Criteria: NYGC Assertion Criteria 2020. Collection method: clinical testing. Allele origin: germline. Observed: 1 heterozygote.

PreventionGenetics, part of Exact Sciences
Classification: Likely benign for GNAS-related condition. Last evaluated: 2021-02-02. Review status: no assertion criteria provided. Collection method: clinical testing. Allele origin: germline. Not counted in ClinVar's aggregate classification.
Comment: This variant is classified as likely benign based on ACMG/AMP sequence variant interpretation guidelines (Richards et al. 2015 PMID: 25741868, with internal and published modifications).

NM_016592.5(GNAS):c.7C>G (p.Arg3Gly)

Genes: GNAS (GNAS complex locus; plus strand), GNAS-AS1 (GNAS antisense RNA 1; minus strand). Cytogenetic location: 20q13.32.
Variant type: single nucleotide variant.
Coding change: c.7C>G on transcript NM_016592.5 (MANE Plus Clinical); coding-DNA position 7, C replaced by G.
Protein change: p.Arg3Gly; replaces arginine 3 with glycine.
Molecular consequence: missense variant. On other transcripts: 5 prime UTR variant (1).
Genome position (GRCh38, 1-based): chr20:58,840,113, C>G. VCF-style: chr20-58840113-C-G. GRCh37 (hg19) VCF-style: chr20-57415168-C-G.
Other names: c.-731C>G (NM_001410912.1); short protein forms R3G.
Identifiers: ClinVar variation 2502231 (VCV002502231.3), dbSNP rs202131370, ClinGen allele CA9926226.